The following is an entry in ClinVar:

ClinVar aggregate classification (germline): Likely pathogenic (1 of 4 stars; one submission).

Conditions:
Hereditary cancer-predisposing syndrome. Also called: Hereditary Cancer Syndrome; Hereditary neoplastic syndrome; Tumor predisposition; Neoplastic Syndromes, Hereditary. Identifiers: Orphanet 140162, MedGen C0027672, MeSH D009386, MONDO:0015356.

Submission:

Ambry Genetics
Classification: Likely pathogenic for Hereditary cancer-predisposing syndrome. Last evaluated: 2020-07-15. Review status: criteria provided, single submitter. Criteria: Ambry Variant Classification Scheme 2023. Collection method: clinical testing. Allele origin: germline.
Comment: The c.2455_2456insAlu likely pathogenic variant results from an Alu element insertion within coding exon 5 of the PALB2 gene. Alu element insertions have been shown to contribute to pathogenicity by either disrupting a coding region or a splice signal (Belancio VP et al. Semin Cancer Biol. 2010 Aug;20(4):200-10; Deininger P. Genome Biol. 2011 Dec 28;12(12):236). Though this exact alteration has not been reported in the literature, two other Alu element insertions have been reported in coding exon 5 of the PALB2 gene in individuals diagnosed with or at risk for hereditary breast cancer (Qian Y et al. Cancer Genet. 2017 Oct;216-217:159-169). Based on the majority of available evidence to date, this variant is likely to be pathogenic.

NM_024675.3:c.2455_2456insALU

Gene: PALB2 (partner and localizer of BRCA2; minus strand).
Variant type: Insertion.
Identifiers: ClinVar variation 1791536 (VCV001791536.2).